The following is an entry in ClinVar:

ClinVar aggregate classification (germline): Uncertain significance (1 of 4 stars; one submission).

Allele frequency attached by ClinVar (database versions not stated): gnomAD exomes below 0.00001.
gnomAD v4.1: 2 of 1,551,070 alleles (0.00013%); highest among the groups gnomAD compares: Admixed American, 0.0039%; no homozygotes.

Submission:

Labcorp Genetics (formerly Invitae), Labcorp
Classification: Uncertain significance. Last evaluated: 2025-03-17. Review status: criteria provided, single submitter. Criteria: Invitae Variant Classification Sherloc (09022015). Collection method: clinical testing. Allele origin: germline.
Comment: This sequence change replaces serine, which is neutral and polar, with phenylalanine, which is neutral and non-polar, at codon 60 of the ARHGEF18 protein (p.Ser60Phe). This variant is present in population databases (no rsID available, gnomAD 0.008%). This variant has not been reported in the literature in individuals affected with ARHGEF18-related conditions. ClinVar contains an entry for this variant (Variation ID: 1944458). An algorithm developed to predict the effect of missense changes on protein structure and function (PolyPhen-2) suggests that this variant is likely to be disruptive. In summary, the available evidence is currently insufficient to determine the role of this variant in disease. Therefore, it has been classified as a Variant of Uncertain Significance.

NM_001367823.1(ARHGEF18):c.968-225C>T

Gene: ARHGEF18 (Rho/Rac guanine nucleotide exchange factor 18; plus strand). Cytogenetic location: 19p13.2.
Variant type: single nucleotide variant.
Coding change: c.968-225C>T on transcript NM_001367823.1 (MANE Select); 225 bases into the intron before coding-DNA position 968, C replaced by T.
Molecular consequence: intron variant. On other transcripts: missense variant (1).
Genome position (GRCh38, 1-based): chr19:7,440,119, C>T. VCF-style: chr19-7440119-C-T. GRCh37 (hg19) VCF-style: chr19-7505005-C-T.
Other names: c.17C>T, p.Ser6Phe (NM_001130955.2); c.-226-70C>T (NM_001367824.1); c.-71-225C>T (NM_015318.4); short protein forms S6F.
Identifiers: ClinVar variation 1944458 (VCV001944458.5), dbSNP rs1356067343, ClinGen allele CA403093607.
Genomic context (GRCh38, chr19:7,440,119, plus strand): 5'-CCCAGCCTGGCGCCGCGCCGGGTCCCGGAGCCCCGGGCGCGAACATGGGGAATGCGCACT[C>T]CAAAAGCGGGGACAGGCACAGCGCGCTCCCCGGCCGCCCCGAGCTGTCTTTTTACGGCTC-3'